The following is an entry in ClinVar:

ClinVar aggregate classification (germline): Uncertain significance (1 of 4 stars; one submission).

Conditions:
Hereditary nonpolyposis colorectal neoplasms. Identifiers: MedGen C0009405, MeSH D003123.

Submission:

Labcorp Genetics (formerly Invitae), Labcorp
Classification: Uncertain significance for Hereditary nonpolyposis colorectal neoplasms. Last evaluated: 2024-10-19. Review status: criteria provided, single submitter. Criteria: Invitae Variant Classification Sherloc (09022015). Collection method: clinical testing. Allele origin: germline.
Comment: This variant, c.1830_1832del, is a complex sequence change that results in the deletion of 2 and insertion of 1 amino acid(s) in the MSH6 protein (p.Lys610_Ser611delinsAsn). This variant is not present in population databases (gnomAD no frequency). This variant has not been reported in the literature in individuals affected with MSH6-related conditions. Experimental studies and prediction algorithms are not available or were not evaluated, and the functional significance of this variant is currently unknown. In summary, the available evidence is currently insufficient to determine the role of this variant in disease. Therefore, it has been classified as a Variant of Uncertain Significance.

NM_000179.3(MSH6):c.1830_1832del (p.Lys610_Ser611delinsAsn)

Gene: MSH6 (mutS homolog 6; plus strand). Cytogenetic location: 2p16.3.
Variant type: Deletion.
Coding change: c.1830_1832del on transcript NM_000179.3 (MANE Select); coding-DNA positions 1830 to 1832, 3 bases deleted (GAG; older notation c.1830_1832delGAG).
Protein change: p.Lys610_Ser611delinsAsn.
Molecular consequence: inframe indel. On other transcripts: non-coding transcript variant (4), intron variant (2).
Genome position (GRCh38, 1-based): chr2:47,799,813-47,799,815, GAG deleted. VCF-style (leftmost placement, unchanged base first): chr2-47799812-AGAG-A. GRCh37 (hg19) VCF-style: chr2-48026951-AGAG-A.
Other names: c.1440_1442del, p.Lys480_Ser481delinsAsn (NM_001281492.2); c.924_926del, p.Lys308_Ser309delinsAsn (NM_001281493.2, NM_001281494.2, NM_001406811.1 and 6 more transcripts); c.1926_1928del, p.Lys642_Ser643delinsAsn (NM_001406795.1, NM_001406802.1); c.1830_1832del, p.Lys610_Ser611delinsAsn (NM_001406796.1, NM_001406798.1, NM_001406800.1 and 3 more transcripts); c.1533_1535del, p.Lys511_Ser512delinsAsn (NM_001406797.1, NM_001406801.1, NM_001406805.1 and 10 more transcripts); c.1305_1307del, p.Lys435_Ser436delinsAsn (NM_001406799.1, NM_001406806.1, NM_001406807.1); c.1752_1754del, p.Lys584_Ser585delinsAsn (NM_001406804.1); c.1836_1838del, p.Lys612_Ser613delinsAsn (NM_001406813.1); and 3 more.
Identifiers: ClinVar variation 3723260 (VCV003723260.2).